The following is an entry in ClinVar:

ClinVar aggregate classification (germline): Pathogenic (1 of 4 stars; one submission).

Submission:

Labcorp Genetics (formerly Invitae), Labcorp
Classification: Pathogenic. Last evaluated: 2022-08-29. Review status: criteria provided, single submitter. Criteria: Invitae Variant Classification Sherloc (09022015). Collection method: clinical testing. Allele origin: germline.
Comment: For these reasons, this variant has been classified as Pathogenic. Algorithms developed to predict the effect of sequence changes on RNA splicing suggest that this variant may disrupt the consensus splice site. This variant has not been reported in the literature in individuals affected with ABCC6-related conditions. This variant is not present in population databases (gnomAD no frequency). This sequence change creates a premature translational stop signal (p.Glu1365Serfs*38) in the ABCC6 gene. It is expected to result in an absent or disrupted protein product. Loss-of-function variants in ABCC6 are known to be pathogenic (PMID: 11536079, 17617515).

Literature cited by the submitters: PubMed 11536079; PubMed 17617515.

NM_001171.6(ABCC6):c.4093del (p.Glu1365fs)

Gene: ABCC6 (ATP binding cassette subfamily C member 6; minus strand). Cytogenetic location: 16p13.11.
Variant type: Deletion.
Coding change: c.4093del on transcript NM_001171.6 (MANE Select); coding-DNA position 4093, one base deleted (G; older notation c.4093delG).
Protein change: p.Glu1365fs; shifts the reading frame from glutamic acid 1365.
Molecular consequence: frameshift variant. On other transcripts: non-coding transcript variant (1).
Genome position (GRCh38, 1-based): chr16:16,154,743, C deleted on the plus strand (G on the coding strand, the reverse complement: ABCC6 is on the minus strand); the first of 2 consecutive C bases (chr16:16,154,743-16,154,744); deleting either gives the same sequence. VCF-style (leftmost placement, unchanged base first): chr16-16154742-TC-T. GRCh37 (hg19) VCF-style: chr16-16248599-TC-T.
Other names: c.3751del, p.Glu1251fs (NM_001351800.1); short protein forms E1251fs, E1365fs.
Identifiers: ClinVar variation 2099772 (VCV002099772.4), dbSNP rs2510951173, ClinGen allele CA2580090787.